The following is an entry in ClinVar:

ClinVar aggregate classification (germline): Uncertain significance. Review status: criteria provided, multiple submitters, no conflicts (2 of 4 stars). 3 submissions from 3 submitters: Uncertain significance (3). Last evaluated 2024-09-06.

Allele frequency attached by ClinVar (database versions not stated): gnomAD exomes 0.00002 and 0.00004; ExAC 0.00009.
gnomAD v4.1: 22 of 1,497,220 alleles (0.0015%); highest among the groups gnomAD compares: South Asian, 0.026%; no homozygotes.

Submissions (3):

Blueprint Genetics
Classification: Uncertain significance. Last evaluated: 2024-09-06. Review status: criteria provided, single submitter. Criteria: ACMG Guidelines, 2015. Collection method: clinical testing. Allele origin: germline.

Labcorp Genetics (formerly Invitae), Labcorp
Classification: Uncertain significance. Last evaluated: 2024-05-06. Review status: criteria provided, single submitter. Criteria: Invitae Variant Classification Sherloc (09022015). Collection method: clinical testing. Allele origin: germline.
Comment: This sequence change replaces cysteine, which is neutral and slightly polar, with arginine, which is basic and polar, at codon 1076 of the EYS protein (p.Cys1076Arg). This variant is present in population databases (rs780935714, gnomAD 0.03%). This missense change has been observed in individual(s) with retinitis pigmentosa (PMID: 22581970). ClinVar contains an entry for this variant (Variation ID: 1366975). Advanced modeling of protein sequence and biophysical properties (such as structural, functional, and spatial information, amino acid conservation, physicochemical variation, residue mobility, and thermodynamic stability) has been performed at Invitae for this missense variant, however the output from this modeling did not meet the statistical confidence thresholds required to predict the impact of this variant on EYS protein function. In summary, the available evidence is currently insufficient to determine the role of this variant in disease. Therefore, it has been classified as a Variant of Uncertain Significance.

Women's Health and Genetics/Laboratory Corporation of America, LabCorp
Classification: Uncertain significance. Last evaluated: 2023-10-19. Review status: criteria provided, single submitter. Criteria: LabCorp Variant Classification Summary - May 2015. Collection method: clinical testing. Allele origin: germline.
Comment: Variant summary: EYS c.3226T>C (p.Cys1076Arg) results in a non-conservative amino acid change located in the EGF like domain (IPR000742) of the encoded protein sequence. Five of five in-silico tools predict a damaging effect of the variant on protein function. The variant allele was found at a frequency of 4.3e-05 in 140598 control chromosomes. The available data on variant occurrences in the general population are insufficient to allow any conclusion about variant significance. c.3226T>C has been reported in the literature in at-least one individual affected with Retinitis Pigmentosa (example: OSullivan_2012). These data do not allow any conclusion about variant significance. To our knowledge, no experimental evidence demonstrating an impact on protein function has been reported. The following publication has been ascertained in the context of this evaluation (PMID: 22581970). One submitter has cited clinical-significance assessments for this variant to ClinVar after 2014 and has classified the variant as uncertain significance. Based on the evidence outlined above, the variant was classified as uncertain significance.

Literature cited by the submitters: PubMed 22581970 (cited by Labcorp Genetics (formerly Invitae), Labcorp and Women's Health and Genetics/Laboratory Corporation of America, LabCorp).

NM_001142800.2(EYS):c.3226T>C (p.Cys1076Arg)

Gene: EYS (EGF-like photoreceptor maintenance factor; minus strand). Cytogenetic location: 6q12.
Variant type: single nucleotide variant.
Coding change: c.3226T>C on transcript NM_001142800.2 (MANE Select); coding-DNA position 3226, T replaced by C.
Protein change: p.Cys1076Arg; replaces cysteine 1076 with arginine.
Molecular consequence: missense variant.
Genome position (GRCh38, 1-based): chr6:64,821,662, A>G on the plus strand (T>C on the coding strand, the complement: EYS is on the minus strand). VCF-style: chr6-64821662-A-G. GRCh37 (hg19) VCF-style: chr6-65531555-A-G.
Other names: c.3226T>C, p.Cys1076Arg (NM_001292009.2); short protein forms C1076R.
Identifiers: ClinVar variation 1366975 (VCV001366975.8), dbSNP rs780935714, ClinGen allele CA3877205.